The following is an entry in ClinVar:

ClinVar aggregate classification (germline): Pathogenic (0 of 4 stars; one submission).
ClinVar aggregate classification (oncogenicity): Likely oncogenic (0 of 4 stars; one submission).

Conditions:
Pineoblastoma. Identifiers: Orphanet 251909, MedGen C0205898, MONDO:0016722, HP:0030408.

Submissions (2):

Center for Precision Oncology and Cancer Prevention, Roswell Park Comprehensive Cancer Center
Classification: Pathogenic for Pineoblastoma. Last evaluated: 2024-11-22. Review status: no assertion criteria provided. Collection method: research. Allele origin: germline. Inheritance: Autosomal dominant inheritance. Affected: yes.
Comment: It was identified as part of analysis of 19 patients with DICER1-related tumors.

Center for Precision Oncology and Cancer Prevention, Roswell Park Comprehensive Cancer Center
Classification: Likely oncogenic for Pineoblastoma. Last evaluated: 2024-11-22. Review status: no assertion criteria provided. Collection method: research. Allele origin: somatic. Affected: yes. Observed: 1 variant allele.

NM_001382508.1(DROSHA):c.2436_2439del (p.Asp814fs)

Gene: DROSHA (drosha ribonuclease III; minus strand). Cytogenetic location: 5p13.3.
Variant type: Deletion.
Coding change: c.2436_2439del on transcript NM_001382508.1 (MANE Select); coding-DNA positions 2436 to 2439, 4 bases deleted (AACT; older notation c.2436_2439delAACT).
Protein change: p.Asp814fs; shifts the reading frame from aspartic acid 814.
Molecular consequence: frameshift variant.
Genome position (GRCh38, 1-based): chr5:31,466,209-31,466,212, AGTT deleted on the plus strand (AACT on the coding strand, the reverse complement: DROSHA is on the minus strand). VCF-style (leftmost placement, unchanged base first): chr5-31466208-CAGTT-C. GRCh37 (hg19) VCF-style: chr5-31466315-CAGTT-C.
Other names: c.2325_2328del, p.Asp777fs (NM_001100412.2); c.2436_2439del, p.Asp814fs (NM_013235.5); short protein forms D814fs, D777fs.
Identifiers: ClinVar variation 3393490 (VCV003393490.1).